The following is an entry in ClinVar:

ClinVar aggregate classification (germline): Uncertain significance (1 of 4 stars; one submission).

gnomAD v4.1: 3 of 1,613,346 alleles (0.00019%); highest among the groups gnomAD compares: Non-Finnish European, 0.00025%; no homozygotes.

Submission:

Labcorp Genetics (formerly Invitae), Labcorp
Classification: Uncertain significance. Last evaluated: 2025-03-25. Review status: criteria provided, single submitter. Criteria: Invitae Variant Classification Sherloc (09022015). Collection method: clinical testing. Allele origin: germline.
Comment: This sequence change falls in intron 8 of the ANKRD26 gene. It does not directly change the encoded amino acid sequence of the ANKRD26 protein. It affects a nucleotide within the consensus splice site. This variant is present in population databases (no rsID available, gnomAD 0.0009%). This variant has not been reported in the literature in individuals affected with ANKRD26-related conditions. Variants that disrupt the consensus splice site are a relatively common cause of aberrant splicing (PMID: 17576681, 9536098). Algorithms developed to predict the effect of sequence changes on RNA splicing suggest that this variant may disrupt the consensus splice site. In summary, the available evidence is currently insufficient to determine the role of this variant in disease. Therefore, it has been classified as a Variant of Uncertain Significance.

Literature cited by the submitters: PubMed 17576681; PubMed 9536098.

NM_014915.3(ANKRD26):c.874+5G>A

Gene: ANKRD26 (ankyrin repeat domain 26; minus strand). Cytogenetic location: 10p12.1.
Variant type: single nucleotide variant.
Coding change: c.874+5G>A on transcript NM_014915.3 (MANE Select); 5 bases into the intron after coding-DNA position 874, G replaced by A.
Molecular consequence: intron variant.
Genome position (GRCh38, 1-based): chr10:27,077,628, C>T on the plus strand (G>A on the coding strand, the complement: ANKRD26 is on the minus strand). VCF-style: chr10-27077628-C-T. GRCh37 (hg19) VCF-style: chr10-27366557-C-T.
Other names: c.874+5G>A (NM_001256053.2).
Identifiers: ClinVar variation 3709866 (VCV003709866.2).